The following is an entry in ClinVar:

ClinVar aggregate classification (germline): Uncertain significance (1 of 4 stars; one submission).

Conditions:
Progressive myoclonic epilepsy. Also called: Familial progressive myoclonic epilepsy; Myoclonic Epilepsies, Progressive; Myoclonus epilepsy; Progressive myoclonus epilepsy. Identifiers: Orphanet 308, Orphanet 98261, MedGen C0751778, MONDO:0020074.

Allele frequency attached by ClinVar (database versions not stated): TOPMed below 0.00001.

Submission:

Labcorp Genetics (formerly Invitae), Labcorp
Classification: Uncertain significance for Progressive myoclonic epilepsy. Last evaluated: 2020-04-09. Review status: criteria provided, single submitter. Criteria: Invitae Variant Classification Sherloc (09022015). Collection method: clinical testing. Allele origin: germline.
Comment: This sequence change replaces lysine with glutamine at codon 78 of the CSTB protein (p.Lys78Gln). The lysine residue is moderately conserved and there is a small physicochemical difference between lysine and glutamine. This variant is not present in population databases (ExAC no frequency). This variant has not been reported in the literature in individuals with CSTB-related conditions. Algorithms developed to predict the effect of missense changes on protein structure and function are either unavailable or do not agree on the potential impact of this missense change (SIFT: "Tolerated"; PolyPhen-2: "Possibly Damaging"; Align-GVGD: "Class C0"). In summary, the available evidence is currently insufficient to determine the role of this variant in disease. Therefore, it has been classified as a Variant of Uncertain Significance.

NM_000100.4(CSTB):c.232A>C (p.Lys78Gln)

Gene: CSTB (cystatin B; minus strand). Cytogenetic location: 21q22.3.
Variant type: single nucleotide variant.
Coding change: c.232A>C on transcript NM_000100.4 (MANE Select); coding-DNA position 232, A replaced by C.
Protein change: p.Lys78Gln; replaces lysine 78 with glutamine.
Molecular consequence: missense variant.
Genome position (GRCh38, 1-based): chr21:43,774,267, T>G on the plus strand (A>C on the coding strand, the complement: CSTB is on the minus strand). VCF-style: chr21-43774267-T-G. GRCh37 (hg19) VCF-style: chr21-45194148-T-G.
Other names: short protein forms K78Q.
Identifiers: ClinVar variation 1005500 (VCV001005500.8), dbSNP rs2083999131, ClinGen allele CA410407839.